The following is an entry in ClinVar:

NM_004519.4(KCNQ3):c.1367G>A (p.Ser456Asn)

Gene: KCNQ3 (potassium voltage-gated channel subfamily Q member 3; minus strand). Cytogenetic location: 8q24.22.
Variant type: single nucleotide variant.
Coding change: c.1367G>A on transcript NM_004519.4 (MANE Select); coding-DNA position 1367, G replaced by A.
Protein change: p.Ser456Asn; replaces serine 456 with asparagine.
Molecular consequence: missense variant.
Genome position (GRCh38, 1-based): chr8:132,141,227, C>T on the plus strand (G>A on the coding strand, the complement: KCNQ3 is on the minus strand). VCF-style: chr8-132141227-C-T. GRCh37 (hg19) VCF-style: chr8-133153474-C-T.
Other names: c.1007G>A, p.Ser336Asn (NM_001204824.2); short protein forms S456N, S336N.
Identifiers: ClinVar variation 1372752 (VCV001372752.6), dbSNP rs2130944583, ClinGen allele CA372220086.

ClinVar aggregate classification (germline): Uncertain significance (1 of 4 stars; one submission).

Conditions:
Benign neonatal seizures. Also called: Benign neonatal familial convulsions; Benign familial neonatal epilepsy; Benign familial neonatal seizures; Convulsions benign familial neonatal dominant form; Autosomal dominant form of benign neonatal seizures. Identifiers: Orphanet 1949, MedGen C0220669, MONDO:0016027.

Submission:

Labcorp Genetics (formerly Invitae), Labcorp
Classification: Uncertain significance for Benign neonatal seizures. Last evaluated: 2022-06-10. Review status: criteria provided, single submitter. Criteria: Invitae Variant Classification Sherloc (09022015). Collection method: clinical testing. Allele origin: germline.
Comment: Advanced modeling of protein sequence and biophysical properties (such as structural, functional, and spatial information, amino acid conservation, physicochemical variation, residue mobility, and thermodynamic stability) performed at Invitae indicates that this missense variant is expected to disrupt KCNQ3 protein function. This variant has not been reported in the literature in individuals affected with KCNQ3-related conditions. This variant is not present in population databases (gnomAD no frequency). This sequence change replaces serine, which is neutral and polar, with asparagine, which is neutral and polar, at codon 456 of the KCNQ3 protein (p.Ser456Asn). In summary, the available evidence is currently insufficient to determine the role of this variant in disease. Therefore, it has been classified as a Variant of Uncertain Significance.